The following is an entry in ClinVar:

NM_000252.3(MTM1):c.206G>A (p.Arg69His)

Gene: MTM1 (myotubularin 1; plus strand). Cytogenetic location: Xq28.
Variant type: single nucleotide variant.
Coding change: c.206G>A on transcript NM_000252.3 (MANE Select); coding-DNA position 206, G replaced by A.
Protein change: p.Arg69His; replaces arginine 69 with histidine.
Molecular consequence: missense variant.
Genome position (GRCh38, 1-based): chrX:150,598,661, G>A. VCF-style: chrX-150598661-G-A. GRCh37 (hg19) VCF-style: chrX-149767125-G-A.
Other names: c.206G>A, p.Arg69His (NM_001376906.1, NM_001376907.1, NM_001376908.1); short protein forms R69H.
Identifiers: ClinVar variation 1400247 (VCV001400247.3), dbSNP rs782277980, ClinGen allele CA10539057.

ClinVar aggregate classification (germline): Uncertain significance (1 of 4 stars; one submission).

Conditions:
Severe X-linked myotubular myopathy (CNMX). Also called: MYOTUBULAR MYOPATHY 1; X-linked centronuclear myopathy; Myotubular myopathy, X-linked. Identifiers: Orphanet 596, MedGen C0410203, MONDO:0010683, OMIM 310400.

Allele frequency attached by ClinVar (database versions not stated): TOPMed below 0.00001; ExAC 0.00002; gnomAD exomes 0.00002.
gnomAD v4.1: 19 of 1,191,755 alleles (0.0016%); highest among the groups gnomAD compares: East Asian, 0.003%; no homozygotes.

Submission:

Labcorp Genetics (formerly Invitae), Labcorp
Classification: Uncertain significance for Severe X-linked myotubular myopathy. Last evaluated: 2022-10-03. Review status: criteria provided, single submitter. Criteria: Invitae Variant Classification Sherloc (09022015). Collection method: clinical testing. Allele origin: germline.
Comment: This sequence change replaces arginine, which is basic and polar, with histidine, which is basic and polar, at codon 69 of the MTM1 protein (p.Arg69His). This variant is present in population databases (rs782277980, gnomAD 0.006%), including at least one homozygous and/or hemizygous individual. This variant has not been reported in the literature in individuals affected with MTM1-related conditions. ClinVar contains an entry for this variant (Variation ID: 1400247). Advanced modeling of protein sequence and biophysical properties (such as structural, functional, and spatial information, amino acid conservation, physicochemical variation, residue mobility, and thermodynamic stability) has been performed at Invitae for this missense variant, however the output from this modeling did not meet the statistical confidence thresholds required to predict the impact of this variant on MTM1 protein function. In summary, the available evidence is currently insufficient to determine the role of this variant in disease. Therefore, it has been classified as a Variant of Uncertain Significance.